The following is an entry in ClinVar:

ClinVar aggregate classification (germline): Uncertain significance (1 of 4 stars; one submission).

Conditions:
Inborn genetic diseases. Identifiers: MedGen C0950123, MeSH D030342.

Submission:

Ambry Genetics
Classification: Uncertain significance for Inborn genetic diseases. Last evaluated: 2024-12-08. Review status: criteria provided, single submitter. Criteria: Ambry Variant Classification Scheme 2023. Collection method: clinical testing. Allele origin: germline.
Comment: The p.I1017V variant (also known as c.3049A>G), located in coding exon 31 of the FANCA gene, results from an A to G substitution at nucleotide position 3049. The isoleucine at codon 1017 is replaced by valine, an amino acid with highly similar properties. This amino acid position is conserved. In addition, this alteration is predicted to be tolerated by in silico analysis. Based on the available evidence, the clinical significance of this variant remains unclear.

NM_000135.4(FANCA):c.3049A>G (p.Ile1017Val)

Gene: FANCA (FA complementation group A; minus strand). Cytogenetic location: 16q24.3.
Variant type: single nucleotide variant.
Coding change: c.3049A>G on transcript NM_000135.4 (MANE Select); coding-DNA position 3049, A replaced by G.
Protein change: p.Ile1017Val; replaces isoleucine 1017 with valine.
Molecular consequence: missense variant.
Genome position (GRCh38, 1-based): chr16:89,752,155, T>C on the plus strand (A>G on the coding strand, the complement: FANCA is on the minus strand). VCF-style: chr16-89752155-T-C. GRCh37 (hg19) VCF-style: chr16-89818563-T-C.
Other names: c.3049A>G, p.Ile1017Val (NM_001286167.3); short protein forms I1017V.
Identifiers: ClinVar variation 3512725 (VCV003512725.1).